The following is an entry in ClinVar:

NM_014476.6(PDLIM3):c.317A>C (p.Glu106Ala)

Gene: PDLIM3 (PDZ and LIM domain 3; minus strand). Cytogenetic location: 4q35.1.
Variant type: single nucleotide variant.
Coding change: c.317A>C on transcript NM_014476.6 (MANE Select); coding-DNA position 317, A replaced by C.
Protein change: p.Glu106Ala; replaces glutamic acid 106 with alanine.
Molecular consequence: missense variant. On other transcripts: non-coding transcript variant (1), intron variant (1).
Genome position (GRCh38, 1-based): chr4:185,523,375, T>G on the plus strand (A>C on the coding strand, the complement: PDLIM3 is on the minus strand). VCF-style: chr4-185523375-T-G. GRCh37 (hg19) VCF-style: chr4-186444529-T-G.
Other names: c.317A>C, p.Glu106Ala (NM_001114107.5, NM_001257962.2); c.94-9038A>C (NM_001257963.2); short protein forms E106A.
Identifiers: ClinVar variation 31840 (VCV000031840.9), dbSNP rs199476400, ClinGen allele CA215392.
Genomic context (GRCh38, chr4:185,523,375, plus strand): 5'-GATTTAAAAGGAAATACAATGTGTATCATTTGCTCTAAAACGCATACCTGTGGTTCTGAT[T>G]CTAAGTTGATTTTGAAAGGATGGGCTTTCCCATCTTCAGATACTTGTGGAGACCATAAGT-3'
Protein context (NP_055291.2, residues 96-116): GKAHPFKINL[Glu106Ala]SEPQDGNYFE

ClinVar aggregate classification (germline): Uncertain significance. Review status: criteria provided, single submitter (1 of 4 stars). 2 submissions from 2 submitters: Uncertain significance (1). 1 of the submissions does not count toward it. Last evaluated 2025-12-02.

Conditions:
Primary dilated cardiomyopathy (DCM). Also called: Dilated Cardiomyopathy. Identifiers: Orphanet 217604, MedGen C0007193, MeSH D002311, MONDO:0005021, HP:0001644. Inheritance: Various modes of inheritance.
Hypertrophic cardiomyopathy. Also called: HYPERTROPHIC MYOCARDIOPATHY. Identifiers: Orphanet 217569, MedGen C0007194, MeSH D002312, MONDO:0005045, HP:0001639.

Allele frequency attached by ClinVar (database versions not stated): TOPMed 0.00005; ExAC 0.00004; gnomAD 0.00001 and 0.00002; gnomAD exomes 0.00004 and 0.00005.
gnomAD v4.1: 60 of 1,608,862 alleles (0.0037%); highest among the groups gnomAD compares: East Asian, 0.062%; no homozygotes.

Submissions (2):

Labcorp Genetics (formerly Invitae), Labcorp
Classification: Uncertain significance for Hypertrophic cardiomyopathy; Primary dilated cardiomyopathy. Last evaluated: 2025-12-02. Review status: criteria provided, single submitter. Criteria: Invitae Variant Classification Sherloc (09022015). Collection method: clinical testing. Allele origin: germline.
Comment: This sequence change replaces glutamic acid, which is acidic and polar, with alanine, which is neutral and non-polar, at codon 106 of the PDLIM3 protein (p.Glu106Ala). This variant is present in population databases (rs199476400, gnomAD 0.03%). This missense change has been observed in individual(s) with hypertrophic cardiomyopathy (PMID: 20801532). ClinVar contains an entry for this variant (Variation ID: 31840). Invitae Evidence Modeling of protein sequence and biophysical properties (such as structural, functional, and spatial information, amino acid conservation, physicochemical variation, residue mobility, and thermodynamic stability) indicates that this missense variant is not expected to disrupt PDLIM3 protein function with a negative predictive value of 80%. In summary, the available evidence is currently insufficient to determine the role of this variant in disease. Therefore, it has been classified as a Variant of Uncertain Significance.

Leiden Muscular Dystrophy (PDLIM3)
No classification provided. Last evaluated: 2012-04-20. Review status: no classification provided. Collection method: curation. Allele origin: germline. Not counted in ClinVar's aggregate classification.

Literature cited by the submitters: PubMed 20801532 (cited by Labcorp Genetics (formerly Invitae), Labcorp).